The following is an entry in ClinVar:

NM_000535.7(PMS2):c.1385T>A (p.Ile462Asn)

Gene: PMS2 (PMS1 homolog 2, mismatch repair system component; minus strand). Cytogenetic location: 7p22.1.
Variant type: single nucleotide variant.
Coding change: c.1385T>A on transcript NM_000535.7 (MANE Select); coding-DNA position 1385, T replaced by A.
Protein change: p.Ile462Asn; replaces isoleucine 462 with asparagine.
Molecular consequence: missense variant. On other transcripts: non-coding transcript variant (1).
Genome position (GRCh38, 1-based): chr7:5,987,380, A>T on the plus strand (T>A on the coding strand, the complement: PMS2 is on the minus strand). VCF-style: chr7-5987380-A-T. GRCh37 (hg19) VCF-style: chr7-6027011-A-T.
Other names: c.980T>A, p.Ile327Asn (NM_001322003.2, NM_001322004.2, NM_001322005.2 and 1 more transcripts); c.1229T>A, p.Ile410Asn (NM_001322006.2); c.1067T>A, p.Ile356Asn (NM_001322007.2, NM_001322008.2); c.824T>A, p.Ile275Asn (NM_001322010.2); c.452T>A, p.Ile151Asn (NM_001322011.2, NM_001322012.2); c.812T>A, p.Ile271Asn (NM_001322013.2); c.1385T>A, p.Ile462Asn (NM_001322014.2); c.1076T>A, p.Ile359Asn (NM_001322015.2); short protein forms I462N, I271N, I327N, I410N, I151N, I356N, I359N, I275N.
Identifiers: ClinVar variation 578456 (VCV000578456.8), dbSNP rs1562633639, ClinGen allele CA366742174.
Genomic context (GRCh38, chr7:5,987,380, plus strand): 5'-CTGGGTCCGTGACTGGAACTCACTGCCTCTTTCTGAGGTCTCAGGACGCCTTTGTCAGAG[A>T]TGGCACCTGAAGTGCTAGAAGACAGCATACCCCTTTTCTGTCCTAGAGGGCTCCTTCTTG-3'
Protein context (NP_000526.2, residues 452-472): GMLSSSTSGA[Ile462Asn]SDKGVLRPQK

ClinVar aggregate classification (germline): Uncertain significance (1 of 4 stars; one submission).

Conditions:
Hereditary nonpolyposis colorectal neoplasms. Identifiers: MedGen C0009405, MeSH D003123.

Submission:

Labcorp Genetics (formerly Invitae), Labcorp
Classification: Uncertain significance for Hereditary nonpolyposis colorectal neoplasms. Last evaluated: 2018-06-13. Review status: criteria provided, single submitter. Criteria: Invitae Variant Classification Sherloc (09022015). Collection method: clinical testing. Allele origin: germline.
Comment: In summary, the available evidence is currently insufficient to determine the role of this variant in disease. Therefore, it has been classified as a Variant of Uncertain Significance. Algorithms developed to predict the effect of missense changes on protein structure and function (SIFT, PolyPhen-2, Align-GVGD) all suggest that this variant is likely to be tolerated, but these predictions have not been confirmed by published functional studies and their clinical significance is uncertain. This variant has not been reported in the literature in individuals with PMS2-related disease. This variant is not present in population databases (ExAC no frequency). This sequence change replaces isoleucine with asparagine at codon 462 of the PMS2 protein (p.Ile462Asn). The isoleucine residue is weakly conserved and there is a large physicochemical difference between isoleucine and asparagine.